The following is an entry in ClinVar:

ClinVar aggregate classification (germline): Uncertain significance (1 of 4 stars; one submission).

Conditions:
Rhabdoid tumor predisposition syndrome 2 (RTPS2). Identifiers: Orphanet 231108, Orphanet 69077, MedGen C2750074, MONDO:0013224, OMIM 613325.

Submission:

Labcorp Genetics (formerly Invitae), Labcorp
Classification: Uncertain significance for Rhabdoid tumor predisposition syndrome 2. Last evaluated: 2019-01-31. Review status: criteria provided, single submitter. Criteria: Invitae Variant Classification Sherloc (09022015). Collection method: clinical testing. Allele origin: germline.
Comment: In summary, the available evidence is currently insufficient to determine the role of this variant in disease. Therefore, it has been classified as a Variant of Uncertain Significance. Algorithms developed to predict the effect of missense changes on protein structure and function are either unavailable or do not agree on the potential impact of this missense change (SIFT: "Deleterious"; PolyPhen-2: "Benign"; Align-GVGD: "Class C55"). This variant has not been reported in the literature in individuals with SMARCA4-related conditions. This variant is not present in population databases (ExAC no frequency). This sequence change replaces glycine with alanine at codon 1476 of the SMARCA4 protein (p.Gly1476Ala). The glycine residue is highly conserved and there is a small physicochemical difference between glycine and alanine.

NM_003072.5(SMARCA4):c.4331G>C (p.Gly1444Ala)

Gene: SMARCA4 (SWI/SNF related BAF chromatin remodeling complex subunit ATPase 4; plus strand). Cytogenetic location: 19p13.2.
Variant type: single nucleotide variant.
Coding change: c.4331G>C on transcript NM_003072.5 (MANE Select); coding-DNA position 4331, G replaced by C.
Protein change: p.Gly1444Ala; replaces glycine 1444 with alanine.
Molecular consequence: missense variant. On other transcripts: non-coding transcript variant (1).
Genome position (GRCh38, 1-based): chr19:11,041,467, G>C. VCF-style: chr19-11041467-G-C. GRCh37 (hg19) VCF-style: chr19-11152143-G-C.
Other names: c.4331G>C, p.Gly1444Ala (NM_001128844.3); c.4241G>C, p.Gly1414Ala (NM_001128845.2, NM_001128846.2); c.4232G>C, p.Gly1411Ala (NM_001128847.4, NM_001128848.2, NM_001374457.1); c.4427G>C, p.Gly1476Ala (NM_001128849.3); short protein forms G1411A, G1476A, G1414A, G1444A.
Identifiers: ClinVar variation 853701 (VCV000853701.9), dbSNP rs2075609046, ClinGen allele CA404073886.